The following is an entry in ClinVar:

NM_000440.3(PDE6A):c.832G>T (p.Gly278Cys)

Gene: PDE6A (phosphodiesterase 6A; minus strand). Cytogenetic location: 5q32.
Variant type: single nucleotide variant.
Coding change: c.832G>T on transcript NM_000440.3 (MANE Select); coding-DNA position 832, G replaced by T.
Protein change: p.Gly278Cys; replaces glycine 278 with cysteine.
Molecular consequence: missense variant.
Genome position (GRCh38, 1-based): chr5:149,931,054, C>A on the plus strand (G>T on the coding strand, the complement: PDE6A is on the minus strand). VCF-style: chr5-149931054-C-A. GRCh37 (hg19) VCF-style: chr5-149310617-C-A.
Other names: short protein forms G278C.
Identifiers: ClinVar variation 1494935 (VCV001494935.8), dbSNP rs2113656282, ClinGen allele CA361696430.
Genomic context (GRCh38, chr5:149,931,054, plus strand): 5'-TTCTTGGAAATGTCTGTTGCTGAAGTTTTCTCACCTTCTGCTTGGTCATGTCTAAGAGAC[C>A]CACAGAGTATCTGTCACAGTTGAGGAAAGCACGGACTGTGTACAGGGCTTTGTGGAACTG-3'
Protein context (NP_000431.2, residues 268-288): AFLNCDRYSV[Gly278Cys]LLDMTKQKEF

ClinVar aggregate classification (germline): Uncertain significance (1 of 4 stars; one submission).

Allele frequency attached by ClinVar (database versions not stated): gnomAD exomes below 0.00001.
gnomAD v4.1: 1 of 1,614,032 alleles (0.000062%); highest among the groups gnomAD compares: Non-Finnish European, 0.000085%; no homozygotes.

Submission:

Labcorp Genetics (formerly Invitae), Labcorp
Classification: Uncertain significance. Last evaluated: 2022-08-23. Review status: criteria provided, single submitter. Criteria: Invitae Variant Classification Sherloc (09022015). Collection method: clinical testing. Allele origin: germline.
Comment: ClinVar contains an entry for this variant (Variation ID: 1494935). This variant has not been reported in the literature in individuals affected with PDE6A-related conditions. This variant is not present in population databases (gnomAD no frequency). This sequence change replaces glycine, which is neutral and non-polar, with cysteine, which is neutral and slightly polar, at codon 278 of the PDE6A protein (p.Gly278Cys). Algorithms developed to predict the effect of missense changes on protein structure and function (SIFT, PolyPhen-2, Align-GVGD) all suggest that this variant is likely to be disruptive. In summary, the available evidence is currently insufficient to determine the role of this variant in disease. Therefore, it has been classified as a Variant of Uncertain Significance.